The following is an entry in ClinVar:

ClinVar aggregate classification (germline): Uncertain significance (1 of 4 stars; one submission).

gnomAD v4.1: 6 of 1,609,702 alleles (0.00037%); highest among the groups gnomAD compares: Non-Finnish European, 0.00051%; no homozygotes.

Submission:

GeneDx
Classification: Uncertain significance. Last evaluated: 2024-08-31. Review status: criteria provided, single submitter. Criteria: GeneDx Variant Classification Process June 2021. Collection method: clinical testing. Allele origin: germline. Affected: yes.
Comment: Not observed at significant frequency in large population cohorts (gnomAD); In silico analysis supports that this missense variant has a deleterious effect on protein structure/function; Has not been previously published as pathogenic or benign to our knowledge

NM_015570.4(AUTS2):c.2770C>G (p.His924Asp)

Gene: AUTS2 (activator of transcription and developmental regulator AUTS2; plus strand). Cytogenetic location: 7q11.22.
Variant type: single nucleotide variant.
Coding change: c.2770C>G on transcript NM_015570.4 (MANE Select); coding-DNA position 2770, C replaced by G.
Protein change: p.His924Asp; replaces histidine 924 with aspartic acid.
Molecular consequence: missense variant.
Genome position (GRCh38, 1-based): chr7:70,789,986, C>G. VCF-style: chr7-70789986-C-G. GRCh37 (hg19) VCF-style: chr7-70254972-C-G.
Other names: c.2698C>G, p.His900Asp (NM_001127231.3); short protein forms H900D, H924D.
Identifiers: ClinVar variation 3766031 (VCV003766031.1).